The following is an entry in ClinVar:

ClinVar aggregate classification (germline): Conflicting classifications of pathogenicity. Review status: criteria provided, conflicting classifications (1 of 4 stars). 2 submissions from 2 submitters: Likely pathogenic (1); Uncertain significance (1). Last evaluated 2024-01-05.

Conditions:
Familial thoracic aortic aneurysm and aortic dissection (TAAD). Also called: Thoracic aortic aneurysms and dissections. Identifiers: Orphanet 91387, MedGen C4707243, MONDO:0019625.

Submissions (2):

Labcorp Genetics (formerly Invitae), Labcorp
Classification: Likely pathogenic for Familial thoracic aortic aneurysm and aortic dissection. Last evaluated: 2024-01-05. Review status: criteria provided, single submitter. Criteria: Invitae Variant Classification Sherloc (09022015). Collection method: clinical testing. Allele origin: germline.
Comment: This sequence change replaces phenylalanine, which is neutral and non-polar, with leucine, which is neutral and non-polar, at codon 442 of the TGFBR2 protein (p.Phe442Leu). This variant is not present in population databases (gnomAD no frequency). This missense change has been observed in individuals with Loeys-Dietz syndrome (PMID: 20956634; Invitae). ClinVar contains an entry for this variant (Variation ID: 1199619). Advanced modeling of protein sequence and biophysical properties (such as structural, functional, and spatial information, amino acid conservation, physicochemical variation, residue mobility, and thermodynamic stability) performed at Invitae indicates that this missense variant is expected to disrupt TGFBR2 protein function with a positive predictive value of 95%. In summary, the currently available evidence indicates that the variant is pathogenic, but additional data are needed to prove that conclusively. Therefore, this variant has been classified as Likely Pathogenic.

GeneDx
Classification: Uncertain significance. Last evaluated: 2019-08-02. Review status: criteria provided, single submitter. Criteria: GeneDx Variant Classification Process June 2021. Collection method: clinical testing. Allele origin: germline. Affected: yes.
Comment: Not observed in large population cohorts (Lek et al., 2016); In silico analysis, which includes protein predictors and evolutionary conservation, supports a deleterious effect; This variant is associated with the following publications: (PMID: 20956634, 27879313, 22259224)

Literature cited by the submitters: PubMed 20956634 (cited by Labcorp Genetics (formerly Invitae), Labcorp).

NM_003242.6(TGFBR2):c.1324T>C (p.Phe442Leu)

Gene: TGFBR2 (transforming growth factor beta receptor 2; plus strand). Cytogenetic location: 3p24.1.
Variant type: single nucleotide variant.
Coding change: c.1324T>C on transcript NM_003242.6 (MANE Select); coding-DNA position 1324, T replaced by C.
Protein change: p.Phe442Leu; replaces phenylalanine 442 with leucine.
Molecular consequence: missense variant.
Genome position (GRCh38, 1-based): chr3:30,674,174, T>C. VCF-style: chr3-30674174-T-C. GRCh37 (hg19) VCF-style: chr3-30715666-T-C.
Other names: c.1399T>C, p.Phe467Leu (NM_001024847.3); c.1507T>C, p.Phe503Leu (NM_001407126.1); c.1432T>C, p.Phe478Leu (NM_001407127.1); c.1351T>C, p.Phe451Leu (NM_001407128.1); c.1327T>C, p.Phe443Leu (NM_001407129.1); c.1324T>C, p.Phe442Leu (NM_001407130.1); c.1219T>C, p.Phe407Leu (NM_001407132.1, NM_001407133.1, NM_001407134.1 and 2 more transcripts); c.1039T>C, p.Phe347Leu (NM_001407137.1); and 1 more; short protein forms F442L, F467L, F322L, F407L, F451L, F478L, F503L, F443L.
Identifiers: ClinVar variation 1199619 (VCV001199619.7), dbSNP rs2125439063, ClinGen allele CA351809018.